The following is an entry in ClinVar:

ClinVar aggregate classification (germline): Uncertain significance (1 of 4 stars; one submission).

Conditions:
Spermatogenic failure 18. Identifiers: MedGen C4539783, MONDO:0054615, OMIM 617576.
Ciliary dyskinesia, primary, 37 (CILD37). Also called: CILIARY DYSKINESIA, PRIMARY, 37, WITH OR WITHOUT SITUS INVERSUS. Identifiers: MedGen C4539798, MONDO:0033204, OMIM 617577.

gnomAD v4.1: 1 of 1,612,464 alleles (0.000062%); highest among the groups gnomAD compares: Non-Finnish European, 0.000085%; no homozygotes.

Submission:

Labcorp Genetics (formerly Invitae), Labcorp
Classification: Uncertain significance for Ciliary dyskinesia, primary, 37; Spermatogenic failure 18. Last evaluated: 2022-07-05. Review status: criteria provided, single submitter. Criteria: Invitae Variant Classification Sherloc (09022015). Collection method: clinical testing. Allele origin: germline.
Comment: This variant is not present in population databases (gnomAD no frequency). In summary, the available evidence is currently insufficient to determine the role of this variant in disease. Therefore, it has been classified as a Variant of Uncertain Significance. Algorithms developed to predict the effect of missense changes on protein structure and function are either unavailable or do not agree on the potential impact of this missense change (SIFT: "Deleterious"; PolyPhen-2: "Probably Damaging"; Align-GVGD: "Class C0"). ClinVar contains an entry for this variant (Variation ID: 1043575). This variant has not been reported in the literature in individuals affected with DNAH1-related conditions. This sequence change replaces leucine, which is neutral and non-polar, with proline, which is neutral and non-polar, at codon 3577 of the DNAH1 protein (p.Leu3577Pro).

NM_015512.5(DNAH1):c.10730T>C (p.Leu3577Pro)

Gene: DNAH1 (dynein axonemal heavy chain 1; plus strand). Cytogenetic location: 3p21.1.
Variant type: single nucleotide variant.
Coding change: c.10730T>C on transcript NM_015512.5 (MANE Select); coding-DNA position 10730, T replaced by C.
Protein change: p.Leu3577Pro; replaces leucine 3577 with proline.
Molecular consequence: missense variant.
Genome position (GRCh38, 1-based): chr3:52,394,568, T>C. VCF-style: chr3-52394568-T-C. GRCh37 (hg19) VCF-style: chr3-52428584-T-C.
Other names: short protein forms L3577P.
Identifiers: ClinVar variation 1043575 (VCV001043575.5), dbSNP rs1704533906, ClinGen allele CA353205480.